The following is an entry in ClinVar:

NM_201384.3(PLEC):c.804G>A (p.Val268=)

Gene: PLEC (plectin; minus strand). Cytogenetic location: 8q24.3.
Variant type: single nucleotide variant.
Coding change: c.804G>A on transcript NM_201384.3 (MANE Select); coding-DNA position 804, G replaced by A.
Protein change: p.Val268=; no amino-acid change (valine 268 retained).
Molecular consequence: synonymous variant.
Genome position (GRCh38, 1-based): chr8:143,935,032, C>T on the plus strand (G>A on the coding strand, the complement: PLEC is on the minus strand). VCF-style: chr8-143935032-C-T. GRCh37 (hg19) VCF-style: chr8-145009200-C-T.
Other names: c.885G>A, p.Val295= (NM_000445.5); c.762G>A, p.Val254= (NM_201378.4); c.738G>A, p.Val246= (NM_201379.3); c.1215G>A, p.Val405= (NM_201380.4); c.708G>A, p.Val236= (NM_201381.3); c.804G>A, p.Val268= (NM_201382.4); c.816G>A, p.Val272= (NM_201383.3).
Identifiers: ClinVar variation 497018 (VCV000497018.8), dbSNP rs1554721745, ClinGen allele CA463536663.

ClinVar aggregate classification (germline): Conflicting classifications of pathogenicity. Review status: criteria provided, conflicting classifications (1 of 4 stars). 3 submissions from 3 submitters: Uncertain significance (1); Likely benign (2). Last evaluated 2023-08-10.

Conditions:
Epidermolysis bullosa simplex 5B, with muscular dystrophy (EBS5B). Also called: EPIDERMOLYSIS BULLOSA SIMPLEX AND LIMB-GIRDLE MUSCULAR DYSTROPHY; Epidermolysis bullosa simplex with muscular dystrophy. Identifiers: Orphanet 257, MedGen C2931072, MONDO:0009181, OMIM 226670.
Epidermolysis bullosa simplex, Ogna type (EBS5A). Also called: Pidermolysis bullosa simplex 5A, Ogna type; EPIDERMOLYSIS BULLOSA SIMPLEX 5A, OGNA TYPE. Identifiers: Orphanet 79401, MedGen C0432317, MONDO:0007555, OMIM 131950.
Autosomal recessive limb-girdle muscular dystrophy type 2Q (LGMDR17). Also called: MUSCULAR DYSTROPHY, LIMB-GIRDLE, AUTOSOMAL RECESSIVE 17. Identifiers: Orphanet 254361, MedGen C3150989, MONDO:0013390, OMIM 613723.
Epidermolysis bullosa simplex 5C, with pyloric atresia (EBS5C). Also called: Epidermolysis bullosa simplex with pyloric atresia; PLEC1-Related Epidermolysis Bullosa with Pyloric Atresia; PLEC-Related Epidermolysis Bullosa with Pyloric Atresia. Identifiers: Orphanet 158684, MedGen C2677349, MONDO:0012807, OMIM 612138.
Epidermolysis bullosa simplex with nail dystrophy (EBS5D). Identifiers: MedGen C4225309, MONDO:0014661, OMIM 616487.

Submissions (3):

Labcorp Genetics (formerly Invitae), Labcorp
Classification: Likely benign for Autosomal recessive limb-girdle muscular dystrophy type 2Q; Epidermolysis bullosa simplex, Ogna type; Epidermolysis bullosa simplex with nail dystrophy; Epidermolysis bullosa simplex 5C, with pyloric atresia; Epidermolysis bullosa simplex 5B, with muscular dystrophy. Last evaluated: 2023-08-10. Review status: criteria provided, single submitter. Criteria: Invitae Variant Classification Sherloc (09022015). Collection method: clinical testing. Allele origin: germline.

GeneDx
Classification: Likely benign. Last evaluated: 2017-08-10. Review status: criteria provided, single submitter. Criteria: GeneDx Variant Classification (06012015). Collection method: clinical testing. Allele origin: germline. Affected: yes.
Comment: This variant is considered likely benign or benign based on one or more of the following criteria: it is a conservative change, it occurs at a poorly conserved position in the protein, it is predicted to be benign by multiple in silico algorithms, and/or has population frequency not consistent with disease.

Eurofins Ntd Llc (ga)
Classification: Uncertain significance. Last evaluated: 2017-06-06. Review status: criteria provided, single submitter. Criteria: EGL Classification Definitions 2015. Collection method: clinical testing. Allele origin: germline. Observed: 2 variant alleles, 2 heterozygotes.